The following is an entry in ClinVar:

ClinVar aggregate classification (germline): Uncertain significance (1 of 4 stars; one submission).

Submission:

CeGaT Center for Human Genetics Tuebingen
Classification: Uncertain significance. Last evaluated: 2025-10-01. Review status: criteria provided, single submitter. Criteria: CeGaT Center For Human Genetics Tuebingen Variant Classification Criteria Version 2. Collection method: clinical testing. Allele origin: germline. Affected: yes. Observed: 1 variant allele.
Comment: KMT2D: PM2, BP4

NM_003482.4(KMT2D):c.7706G>A (p.Gly2569Asp)

Gene: KMT2D (lysine methyltransferase 2D; minus strand). Cytogenetic location: 12q13.12.
Variant type: single nucleotide variant.
Coding change: c.7706G>A on transcript NM_003482.4 (MANE Select); coding-DNA position 7706, G replaced by A.
Protein change: p.Gly2569Asp; replaces glycine 2569 with aspartic acid.
Molecular consequence: missense variant.
Genome position (GRCh38, 1-based): chr12:49,040,064, C>T on the plus strand (G>A on the coding strand, the complement: KMT2D is on the minus strand). VCF-style: chr12-49040064-C-T. GRCh37 (hg19) VCF-style: chr12-49433847-C-T.
Other names: short protein forms G2569D.
Identifiers: ClinVar variation 4534929 (VCV004534929.6).